The following is an entry in ClinVar:

ClinVar aggregate classification (germline): Uncertain significance (1 of 4 stars; one submission).

Conditions:
Familial cold autoinflammatory syndrome 3 (FCAS3). Also called: ANTIBODY DEFICIENCY AND IMMUNE DYSREGULATION, PLCG2-ASSOCIATED; FAMILIAL ATYPICAL COLD URTICARIA. Identifiers: Orphanet 300359, MedGen C3280914, MONDO:0013766, OMIM 614468.

Submission:

Labcorp Genetics (formerly Invitae), Labcorp
Classification: Uncertain significance for Familial cold autoinflammatory syndrome 3. Last evaluated: 2022-05-13. Review status: criteria provided, single submitter. Criteria: Invitae Variant Classification Sherloc (09022015). Collection method: clinical testing. Allele origin: germline.
Comment: This variant is not present in population databases (gnomAD no frequency). In summary, the available evidence is currently insufficient to determine the role of this variant in disease. Therefore, it has been classified as a Variant of Uncertain Significance. Algorithms developed to predict the effect of missense changes on protein structure and function are either unavailable or do not agree on the potential impact of this missense change (SIFT: "Tolerated"; PolyPhen-2: "Possibly Damaging"; Align-GVGD: "Class C0"). This variant has not been reported in the literature in individuals affected with PLCG2-related conditions. This sequence change replaces lysine, which is basic and polar, with asparagine, which is neutral and polar, at codon 944 of the PLCG2 protein (p.Lys944Asn).

NM_002661.5(PLCG2):c.2832G>C (p.Lys944Asn)

Gene: PLCG2 (phospholipase C gamma 2; plus strand). Cytogenetic location: 16q23.3.
Variant type: single nucleotide variant.
Coding change: c.2832G>C on transcript NM_002661.5 (MANE Select); coding-DNA position 2832, G replaced by C.
Protein change: p.Lys944Asn; replaces lysine 944 with asparagine.
Molecular consequence: missense variant.
Genome position (GRCh38, 1-based): chr16:81,934,521, G>C. VCF-style: chr16-81934521-G-C. GRCh37 (hg19) VCF-style: chr16-81968126-G-C.
Other names: short protein forms K944N.
Identifiers: ClinVar variation 1994185 (VCV001994185.4), dbSNP rs2507747547, ClinGen allele CA396904816.